The following is an entry in ClinVar:

NM_001166108.2(PALLD):c.2761A>G (p.Ile921Val)

Genes: CBR4 (carbonyl reductase 4; minus strand), PALLD (palladin, cytoskeletal associated protein; plus strand). Cytogenetic location: 4q32.3.
Variant type: single nucleotide variant.
Coding change: c.2761A>G on transcript NM_001166108.2 (MANE Select); coding-DNA position 2761, A replaced by G.
Protein change: p.Ile921Val; replaces isoleucine 921 with valine.
Molecular consequence: missense variant.
Genome position (GRCh38, 1-based): chr4:168,915,938, A>G. VCF-style: chr4-168915938-A-G. GRCh37 (hg19) VCF-style: chr4-169837089-A-G.
Other names: c.1564A>G, p.Ile522Val (NM_001166109.2); c.1249A>G, p.Ile417Val (NM_001166110.2); c.589A>G, p.Ile197Val (NM_001367567.1, NM_001367569.1); c.640A>G, p.Ile214Val (NM_001367568.1, NM_001367570.1); c.2710A>G, p.Ile904Val (NM_016081.4); short protein forms I197V, I417V, I921V, I214V, I522V, I904V.
Identifiers: ClinVar variation 1361451 (VCV001361451.11), dbSNP rs375970126, ClinGen allele CA3135956.

ClinVar aggregate classification (germline): Uncertain significance. Review status: criteria provided, multiple submitters, no conflicts (2 of 4 stars). 2 submissions from 2 submitters: Uncertain significance (2). Last evaluated 2024-05-25.

Conditions:
Pancreatic adenocarcinoma. Identifiers: MedGen C0281361, MONDO:0006047, HP:0006725.

Allele frequency attached by ClinVar (database versions not stated): gnomAD exomes below 0.00001 and 0.00001; ExAC 0.00001; gnomAD 0.00001; TOPMed 0.00001; ESP Exome Variant Server 0.00008.
gnomAD v4.1: 8 of 1,613,206 alleles (0.0005%); highest among the groups gnomAD compares: Middle Eastern, 0.049%; no homozygotes.

Submissions (2):

Ambry Genetics
Classification: Uncertain significance. Last evaluated: 2024-05-25. Review status: criteria provided, single submitter. Criteria: Ambry Variant Classification Scheme 2023. Collection method: clinical testing. Allele origin: germline.
Comment: The p.I904V variant (also known as c.2710A>G), located in coding exon 15 of the PALLD gene, results from an A to G substitution at nucleotide position 2710. The isoleucine at codon 904 is replaced by valine, an amino acid with highly similar properties. This amino acid position is conserved. In addition, this alteration is predicted to be tolerated by in silico analysis. Since supporting evidence is limited at this time, the clinical significance of this alteration remains unclear.

Labcorp Genetics (formerly Invitae), Labcorp
Classification: Uncertain significance for Pancreatic adenocarcinoma. Last evaluated: 2021-03-11. Review status: criteria provided, single submitter. Criteria: Invitae Variant Classification Sherloc (09022015). Collection method: clinical testing. Allele origin: germline.
Comment: This variant is present in population databases (rs375970126, ExAC 0.001%). This sequence change replaces isoleucine with valine at codon 417 of the PALLD protein (p.Ile417Val). The isoleucine residue is highly conserved and there is a small physicochemical difference between isoleucine and valine. This variant has not been reported in the literature in individuals with PALLD-related conditions. In summary, the available evidence is currently insufficient to determine the role of this variant in disease. Therefore, it has been classified as a Variant of Uncertain Significance. Algorithms developed to predict the effect of missense changes on protein structure and function are either unavailable or do not agree on the potential impact of this missense change (SIFT: "Deleterious"; PolyPhen-2: "Benign"; Align-GVGD: "Class C25").